The following is an entry in ClinVar:

NM_182961.4(SYNE1):c.7109A>G (p.Tyr2370Cys)

Gene: SYNE1 (spectrin repeat containing nuclear envelope protein 1; minus strand). Cytogenetic location: 6q25.2.
Variant type: single nucleotide variant.
Coding change: c.7109A>G on transcript NM_182961.4 (MANE Select); coding-DNA position 7109, A replaced by G.
Protein change: p.Tyr2370Cys; replaces tyrosine 2370 with cysteine.
Molecular consequence: missense variant.
Genome position (GRCh38, 1-based): chr6:152,399,744, T>C on the plus strand (A>G on the coding strand, the complement: SYNE1 is on the minus strand). VCF-style: chr6-152399744-T-C. GRCh37 (hg19) VCF-style: chr6-152720879-T-C.
Other names: c.7130A>G, p.Tyr2377Cys (NM_033071.5); short protein forms Y2370C, Y2377C.
Identifiers: ClinVar variation 2084248 (VCV002084248.4), dbSNP rs1180413011, ClinGen allele CA366118194.

ClinVar aggregate classification (germline): Uncertain significance (1 of 4 stars; one submission).

Conditions:
Emery-Dreifuss muscular dystrophy 4, autosomal dominant (EDMD4). Also called: EMERY-DREIFUSS MUSCULAR DYSTROPHY 4 WITH VARIABLE FEATURES. Identifiers: Orphanet 261, MedGen C2751807, MONDO:0013071, OMIM 612998.
Autosomal recessive ataxia, Beauce type. Also called: SYNE1 Deficiency; Spinocerebellar ataxia, autosomal recessive 8; ATAXIA, RECESSIVE, OF BEAUCE; SYNE1-Related Autosomal Recessive Cerebellar Ataxia. Identifiers: Orphanet 88644, MedGen C1853116, MONDO:0012549, OMIM 610743.

Allele frequency attached by ClinVar (database versions not stated): gnomAD exomes below 0.00001; TOPMed 0.00001.
gnomAD v4.1: 2 of 1,614,178 alleles (0.00012%); highest among the groups gnomAD compares: Non-Finnish European, 0.00017%; no homozygotes.

Submission:

Labcorp Genetics (formerly Invitae), Labcorp
Classification: Uncertain significance for Emery-Dreifuss muscular dystrophy 4, autosomal dominant; Autosomal recessive ataxia, Beauce type. Last evaluated: 2023-07-17. Review status: criteria provided, single submitter. Criteria: Invitae Variant Classification Sherloc (09022015). Collection method: clinical testing. Allele origin: germline.
Comment: In summary, the available evidence is currently insufficient to determine the role of this variant in disease. Therefore, it has been classified as a Variant of Uncertain Significance. An algorithm developed to predict the effect of missense changes on protein structure and function (PolyPhen-2) suggests that this variant is likely to be tolerated. This sequence change replaces tyrosine, which is neutral and polar, with cysteine, which is neutral and slightly polar, at codon 2377 of the SYNE1 protein (p.Tyr2377Cys). This variant is not present in population databases (gnomAD no frequency). This variant has not been reported in the literature in individuals affected with SYNE1-related conditions. ClinVar contains an entry for this variant (Variation ID: 2084248).